The following is an entry in ClinVar:

NC_000005.10:g.112849086T>G

Variant type: single nucleotide variant.
Genome position: GRCh38 VCF-style: chr5-112849086-T-G. GRCh37 (hg19) VCF-style: chr5-112184783-T-G.
Identifiers: ClinVar variation 82645 (VCV000082645.3), dbSNP rs75838239, ClinGen allele CA250785.
Genomic context (GRCh38, chr5:112,849,086, plus strand): 5'-ACAGTAAGTTTTAAAATTTCCAAGATAAGACTATAAAAACATCATTGGGGCCGGGAGCGG[T>G]GGCTCACGCCTGTAATCCCAACTCTTCGGGAGGCCGAGGCAGGTGGATAAGGAGATCAAG-3'

ClinVar aggregate classification (germline): other (0 of 4 stars; one submission).

Conditions:
Familial colorectal cancer. Identifiers: MedGen CN280943, MONDO:0023113. Disease mechanism: loss of function.

Submission:

Systems Biology Platform Zhejiang California International NanoSystems Institute
Classification: other for Familial colorectal cancer. Review status: no assertion criteria provided. Collection method: not provided. Allele origin: unknown.
ClinVar note: Converted during submission from cancer to other.